The following is an entry in ClinVar:

ClinVar aggregate classification (germline): Pathogenic, low penetrance (1 of 4 stars; one submission).

Conditions:
Atypical hemolytic-uremic syndrome. Identifiers: Orphanet 2134, MedGen C2931788, MONDO:0016244.

Submission:

Genomenon, Inc
Classification: Pathogenic, low penetrance for Atypical hemolytic-uremic syndrome. Last evaluated: 2025-10-02. Review status: criteria provided, single submitter. Criteria: Genomenon Sequence Variant Interpretation Standards. Collection method: curation. Allele origin: germline. Affected: yes.
Comment: CD46 p.Tyr328SerfsTer5 (c.983_984del) is a frameshift variant that results in the production of a truncated protein which is predicted to undergo nonsense-mediated mRNA decay. This variant has been observed in at least one proband affected with atypical hemolytic-uremic syndrome (PMID:20513133). It is absent or not present at a significant frequency in gnomAD. In conclusion, we classify CD46 p.Tyr328SerfsTer5 (c.983_984del) as a pathogenic variant.

Literature cited by the submitters: PubMed 20513133.

NM_172351.3(CD46):c.938_939del (p.Tyr313fs)

Gene: CD46 (CD46 molecule; plus strand). Cytogenetic location: 1q32.2.
Variant type: Deletion.
Coding change: c.938_939del on transcript NM_172351.3 (MANE Select); coding-DNA positions 938 to 939, 2 bases deleted (AT; older notation c.938_939delAT).
Protein change: p.Tyr313fs; shifts the reading frame from tyrosine 313.
Molecular consequence: frameshift variant. On other transcripts: intron variant (4).
Genome position (GRCh38, 1-based): chr1:207,770,357-207,770,358, AT deleted; deleting any 2 consecutive bases within chr1:207,770,356-207,770,358 gives the same sequence; the c. name uses the placement nearest the transcript's 3' end. VCF-style (leftmost placement, unchanged base first): chr1-207770355-TTA-T. GRCh37 (hg19) VCF-style: chr1-207943700-TTA-T.
Other names: c.983_984del, p.Tyr328fs (NM_002389.4, NM_172359.3); c.938_939del, p.Tyr313fs (NM_153826.4, NM_172358.3); c.893_894del, p.Tyr298fs (NM_172350.3, NM_172352.3, NM_172353.3); c.901+2534_901+2535del (NM_172355.3, NM_172356.3); c.856+3162_856+3163del (NM_172357.3, NM_172361.3); short protein forms Y298fs, Y313fs, Y328fs.
Identifiers: ClinVar variation 4291216 (VCV004291216.1).